The following is an entry in ClinVar:

ClinVar aggregate classification (germline): Likely pathogenic (1 of 4 stars; one submission).

Conditions:
DLL4-related disorder. Also called: DLL4-related condition.

Submission:

PreventionGenetics, part of Exact Sciences
Classification: Likely pathogenic for DLL4-related condition. Last evaluated: 2023-09-02. Review status: criteria provided, single submitter. Criteria: ACMG Guidelines, 2015. Collection method: clinical testing. Allele origin: germline.
Comment: The DLL4 c.572G>A variant is predicted to result in the amino acid substitution p.Arg191His. This variant was reported as de novo in an individual with Adams-Oliver syndrome (Nagasaka et al. 2017. PubMed ID: 28446798). This variant has not been reported in a large population database, indicating this variant is rare. This variant is interpreted as likely pathogenic.

NM_019074.4(DLL4):c.572G>A (p.Arg191His)

Gene: DLL4 (delta like canonical Notch ligand 4; plus strand). Cytogenetic location: 15q15.1.
Variant type: single nucleotide variant.
Coding change: c.572G>A on transcript NM_019074.4 (MANE Select); coding-DNA position 572, G replaced by A.
Protein change: p.Arg191His; replaces arginine 191 with histidine.
Molecular consequence: missense variant.
Genome position (GRCh38, 1-based): chr15:40,931,680, G>A. VCF-style: chr15-40931680-G-A. GRCh37 (hg19) VCF-style: chr15-41223878-G-A.
Other names: short protein forms R191H.
Identifiers: ClinVar variation 2630670 (VCV002630670.1), dbSNP rs1357715175, ClinGen allele CA391807046.